The following is an entry in ClinVar:

NM_001172509.2(SATB2):c.71A>G (p.Lys24Arg)

Gene: SATB2 (SATB homeobox 2; minus strand). Cytogenetic location: 2q33.1.
Variant type: single nucleotide variant.
Coding change: c.71A>G on transcript NM_001172509.2 (MANE Select); coding-DNA position 71, A replaced by G.
Protein change: p.Lys24Arg; replaces lysine 24 with arginine.
Molecular consequence: missense variant. On other transcripts: non-coding transcript variant (1).
Genome position (GRCh38, 1-based): chr2:199,455,967, T>C on the plus strand (A>G on the coding strand, the complement: SATB2 is on the minus strand). VCF-style: chr2-199455967-T-C. GRCh37 (hg19) VCF-style: chr2-200320690-T-C.
Other names: c.71A>G, p.Lys24Arg (NM_001172517.1, NM_015265.4); short protein forms K24R.
Identifiers: ClinVar variation 1349053 (VCV001349053.8), dbSNP rs1176416627, ClinGen allele CA350388547.
Genomic context (GRCh38, chr2:199,455,967, plus strand): 5'-CGGGCTCCCATGGGGCTGCCGTTCTGCTCCAGCCGGGCCACCTTCACTGGGGGAGGCCCC[T>C]TGACGTCCGGGCTGCCGCTCCGCCGGTCGGGGCTGTCCCGCAGACACGGGCTCTCGCTCC-3'
Protein context (NP_001165980.1, residues 14-34): PDRRSGSPDV[Lys24Arg]GPPPVKVARL

ClinVar aggregate classification (germline): Uncertain significance (1 of 4 stars; one submission).

Conditions:
Chromosome 2q32-q33 deletion syndrome (GLASS). Also called: 2q33.1 deletion syndrome; Glass syndrome. Identifiers: Orphanet 251019, MedGen C2676739, MONDO:0012864, OMIM 612313.

Allele frequency attached by ClinVar (database versions not stated): gnomAD exomes below 0.00001; TOPMed below 0.00001; gnomAD 0.00001.

Submission:

Labcorp Genetics (formerly Invitae), Labcorp
Classification: Uncertain significance for Chromosome 2q32-q33 deletion syndrome. Last evaluated: 2024-03-16. Review status: criteria provided, single submitter. Criteria: Invitae Variant Classification Sherloc (09022015). Collection method: clinical testing. Allele origin: germline.
Comment: This sequence change replaces lysine, which is basic and polar, with arginine, which is basic and polar, at codon 24 of the SATB2 protein (p.Lys24Arg). This variant is present in population databases (no rsID available, gnomAD 0.007%). This variant has not been reported in the literature in individuals affected with SATB2-related conditions. ClinVar contains an entry for this variant (Variation ID: 1349053). Advanced modeling performed at Invitae incorporating data from internal and/or published experimental studies (Invitae) indicates that this missense variant is not expected to disrupt SATB2 function with a negative predictive value of 95%. In summary, the available evidence is currently insufficient to determine the role of this variant in disease. Therefore, it has been classified as a Variant of Uncertain Significance.